The following is an entry in ClinVar:

NM_000051.4(ATM):c.8172A>T (p.Gln2724His)

Genes: ATM (ATM serine/threonine kinase; plus strand), C11orf65 (chromosome 11 open reading frame 65; minus strand). Cytogenetic location: 11q22.3.
Variant type: single nucleotide variant.
Coding change: c.8172A>T on transcript NM_000051.4 (MANE Select); coding-DNA position 8172, A replaced by T.
Protein change: p.Gln2724His; replaces glutamine 2724 with histidine.
Molecular consequence: missense variant. On other transcripts: intron variant (2).
Genome position (GRCh38, 1-based): chr11:108,335,865, A>T. VCF-style: chr11-108335865-A-T. GRCh37 (hg19) VCF-style: chr11-108206592-A-T.
Other names: c.8172A>T, p.Gln2724His (NM_001351834.2); c.641-26794T>A (NM_001330368.2); c.695-573T>A (NM_001351110.2); short protein forms Q2724H.
Identifiers: ClinVar variation 3656078 (VCV003656078.2).

ClinVar aggregate classification (germline): Uncertain significance (1 of 4 stars; one submission).

Conditions:
Ataxia-telangiectasia syndrome (AT). Also called: Ataxia-telangiectasia, complementation group D; AT, COMPLEMENTATION GROUP C; ATAXIA-TELANGIECTASIA, COMPLEMENTATION GROUP A; ATAXIA-TELANGIECTASIA, FRESNO VARIANT; Ataxia-telangiectasia; Ataxia-telangiectasia, complementation group E. Identifiers: Orphanet 100, MedGen C0004135, MONDO:0008840, OMIM 208900.

Submission:

Labcorp Genetics (formerly Invitae), Labcorp
Classification: Uncertain significance for Ataxia-telangiectasia syndrome. Last evaluated: 2024-06-10. Review status: criteria provided, single submitter. Criteria: Invitae Variant Classification Sherloc (09022015). Collection method: clinical testing. Allele origin: germline.
Comment: This sequence change replaces glutamine, which is neutral and polar, with histidine, which is basic and polar, at codon 2724 of the ATM protein (p.Gln2724His). This variant is not present in population databases (gnomAD no frequency). This variant has not been reported in the literature in individuals affected with ATM-related conditions. An algorithm developed to predict the effect of missense changes on protein structure and function (PolyPhen-2) suggests that this variant is likely to be disruptive. In summary, the available evidence is currently insufficient to determine the role of this variant in disease. Therefore, it has been classified as a Variant of Uncertain Significance.